The following is an entry in ClinVar:

ClinVar aggregate classification (germline): Uncertain significance (1 of 4 stars; one submission).

Conditions:
Hereditary cancer-predisposing syndrome. Also called: Tumor predisposition; Neoplastic Syndromes, Hereditary; Hereditary neoplastic syndrome; Hereditary Cancer Syndrome. Identifiers: Orphanet 140162, MedGen C0027672, MeSH D009386, MONDO:0015356.

Submission:

Ambry Genetics
Classification: Uncertain significance for Hereditary cancer-predisposing syndrome. Last evaluated: 2025-08-27. Review status: criteria provided, single submitter. Criteria: Ambry Variant Classification Scheme 2023. Collection method: clinical testing. Allele origin: germline.
Comment: The p.H39Q variant (also known as c.117T>G), located in coding exon 2 of the MUTYH gene, results from a T to G substitution at nucleotide position 117. The histidine at codon 39 is replaced by glutamine, an amino acid with highly similar properties. This amino acid position is conserved. In addition, this alteration is predicted to be tolerated by in silico analysis. Based on the available evidence, the clinical significance of this variant remains unclear.

NM_001048174.2(MUTYH):c.75T>G (p.His25Gln)

Gene: MUTYH (mutY DNA glycosylase; minus strand). Cytogenetic location: 1p34.1.
Variant type: single nucleotide variant.
Coding change: c.75T>G on transcript NM_001048174.2 (MANE Select); coding-DNA position 75, T replaced by G.
Protein change: p.His25Gln; replaces histidine 25 with glutamine.
Molecular consequence: missense variant. On other transcripts: 5 prime UTR variant (7), non-coding transcript variant (7).
Genome position (GRCh38, 1-based): chr1:45,334,431, A>C on the plus strand (T>G on the coding strand, the complement: MUTYH is on the minus strand). VCF-style: chr1-45334431-A-C. GRCh37 (hg19) VCF-style: chr1-45800103-A-C.
Other names: c.75T>G, p.His25Gln (NM_001407081.1, NM_001407083.1, NM_001407085.1 and 15 more transcripts); c.-133T>G (NM_001407082.1, NM_001350651.2); c.93T>G, p.His31Gln (NM_001407087.1); c.-138T>G (NM_001407091.1, NM_001293192.2, NM_001293196.2); c.117T>G, p.His39Gln (NM_001128425.2, NM_001293190.2, NM_001407069.1 and 2 more transcripts); c.-197T>G (NM_001350650.2); c.-82T>G (NM_001407075.1); short protein forms H25Q, H31Q, H39Q.
Identifiers: ClinVar variation 4113078 (VCV004113078.1).